The following is an entry in ClinVar:

NM_000159.4(GCDH):c.167T>C (p.Leu56Pro)

Genes: GCDH (glutaryl-CoA dehydrogenase; plus strand), LOC117125594 (CRISPRi-FlowFISH-validated KLF1 regulatory element; plus strand). Cytogenetic location: 19p13.13.
Variant type: single nucleotide variant.
Coding change: c.167T>C on transcript NM_000159.4 (MANE Select); coding-DNA position 167, T replaced by C.
Protein change: p.Leu56Pro; replaces leucine 56 with proline.
Molecular consequence: missense variant. On other transcripts: non-coding transcript variant (2).
Genome position (GRCh38, 1-based): chr19:12,891,870, T>C. VCF-style: chr19-12891870-T-C. GRCh37 (hg19) VCF-style: chr19-13002684-T-C.
Other names: c.167T>C, p.Leu56Pro (NM_013976.5); short protein forms L56P.
Identifiers: ClinVar variation 3007625 (VCV003007625.4), dbSNP rs1265030225, ClinGen allele CA404314937.

ClinVar aggregate classification (germline): Conflicting classifications of pathogenicity. Review status: criteria provided, conflicting classifications (1 of 4 stars). 2 submissions from 2 submitters: Pathogenic (1); Uncertain significance (1). Last evaluated 2025-06-24.

Conditions:
Glutaric aciduria, type 1. Also called: Glutaricacidemia Type 1; Glutaric Acidemia Type 1; GA I; Glutaricaciduria, type I; Glutaric acidemia type I; Glutaryl-CoA dehydrogenase deficiency. Identifiers: Orphanet 25, MedGen C0268595, MONDO:0009281, OMIM 231670.

Allele frequency attached by ClinVar (database versions not stated): TOPMed 0.00001.
gnomAD v4.1: 1 of 1,614,060 alleles (0.000062%); highest among the groups gnomAD compares: Non-Finnish European, 0.000085%; no homozygotes.

Submissions (2):

Women's Health and Genetics/Laboratory Corporation of America, LabCorp
Classification: Uncertain significance. Last evaluated: 2025-06-24. Review status: criteria provided, single submitter. Criteria: LabCorp Variant Classification Summary - May 2015. Collection method: clinical testing. Allele origin: germline.
Comment: Variant summary: GCDH c.167T>C (p.Leu56Pro) results in a non-conservative amino acid change in the encoded protein sequence. Algorithms developed to predict the effect of missense changes on protein structure and function all suggest that this variant is likely to be disruptive. The variant was absent in 251036 control chromosomes. c.167T>C has been observed in at-least one individual affected with Glutaric Acidemia Type 1 (Internal data). These data do not allow any conclusion about variant significance. To our knowledge, no experimental evidence demonstrating an impact on protein function has been reported. At least one variant at the Leu56 residue has been reported as associated with disease (p.Leu56Arg), suggesting that this codon is functionally important. These data indicate that the variant is very likely to be associated with disease. ClinVar contains an entry for this variant (Variation ID: 3007625). Based on the evidence outlined above, the variant was classified as VUS-possibly pathogenic.

Labcorp Genetics (formerly Invitae), Labcorp
Classification: Pathogenic for Glutaric aciduria, type 1. Last evaluated: 2023-12-26. Review status: criteria provided, single submitter. Criteria: Invitae Variant Classification Sherloc (09022015). Collection method: clinical testing. Allele origin: germline.
Comment: This sequence change replaces leucine, which is neutral and non-polar, with proline, which is neutral and non-polar, at codon 56 of the GCDH protein (p.Leu56Pro). This variant is not present in population databases (gnomAD no frequency). This missense change has been observed in individual(s) with glutaric acidemia, type I (Invitae). Advanced modeling of protein sequence and biophysical properties (such as structural, functional, and spatial information, amino acid conservation, physicochemical variation, residue mobility, and thermodynamic stability) performed at Invitae indicates that this missense variant is expected to disrupt GCDH protein function with a positive predictive value of 95%. This variant disrupts the p.Leu56 amino acid residue in GCDH. Other variant(s) that disrupt this residue have been observed in individuals with GCDH-related conditions (PMID: 33064266), which suggests that this may be a clinically significant amino acid residue. For these reasons, this variant has been classified as Pathogenic.

Literature cited by the submitters: PubMed 33064266 (cited by Labcorp Genetics (formerly Invitae), Labcorp).